The following is an entry in ClinVar:

ClinVar aggregate classification (germline): Conflicting classifications of pathogenicity. Review status: criteria provided, conflicting classifications (1 of 4 stars). 6 submissions from 6 submitters: Uncertain significance (5); Likely benign (1). Last evaluated 2026-01-04.

Conditions:
Inborn genetic diseases. Identifiers: MedGen C0950123, MeSH D030342.
LRP5-related disorder. Also called: LRP5-related condition.
Osteogenesis imperfecta (OI). Identifiers: Orphanet 666, MedGen C0029434, MeSH D010013, MONDO:0019019.

Allele frequency attached by ClinVar (database versions not stated): gnomAD 0.00005; TOPMed 0.00006; gnomAD exomes 0.00008; ExAC 0.00009; ESP Exome Variant Server 0.00015.
gnomAD v4.1: 260 of 1,598,562 alleles (0.016%); highest among the groups gnomAD compares: Non-Finnish European, 0.021%; no homozygotes.

Submissions (6):

Labcorp Genetics (formerly Invitae), Labcorp
Classification: Likely benign. Last evaluated: 2026-01-04. Review status: criteria provided, single submitter. Criteria: Invitae Variant Classification Sherloc (09022015). Collection method: clinical testing. Allele origin: germline.

PreventionGenetics, part of Exact Sciences
Classification: Uncertain significance for LRP5-related condition. Last evaluated: 2025-09-11. Review status: criteria provided, single submitter. Criteria: ACMG Guidelines, 2015. Collection method: clinical testing. Allele origin: germline.
Comment: The LRP5 c.4791G>C variant is predicted to result in the amino acid substitution p.Glu1597Asp. To our knowledge, this variant has not been reported in the literature. This variant is reported in 0.017% of alleles in individuals of European (Non-Finnish) descent in gnomAD. At this time, the clinical significance of this variant is uncertain due to the absence of conclusive functional and genetic evidence.

Blueprint Genetics
Classification: Uncertain significance. Last evaluated: 2024-10-21. Review status: criteria provided, single submitter. Criteria: ACMG Guidelines, 2015. Collection method: clinical testing. Allele origin: germline.

Ambry Genetics
Classification: Uncertain significance for Inborn genetic diseases. Last evaluated: 2024-09-03. Review status: criteria provided, single submitter. Criteria: Ambry Variant Classification Scheme 2023. Collection method: clinical testing. Allele origin: germline.

GeneDx
Classification: Uncertain significance. Last evaluated: 2024-04-10. Review status: criteria provided, single submitter. Criteria: GeneDx Variant Classification Process June 2021. Collection method: clinical testing. Allele origin: germline. Affected: yes.
Comment: In silico analysis indicates that this missense variant does not alter protein structure/function; Has not been previously published as pathogenic or benign to our knowledge

Genome Diagnostics Laboratory, The Hospital for Sick Children
Classification: Uncertain significance for Osteogenesis imperfecta. Last evaluated: 2019-04-01. Review status: criteria provided, single submitter. Criteria: ACMG Guidelines, 2015. Collection method: clinical testing. Allele origin: germline.

NM_002335.4(LRP5):c.4791G>C (p.Glu1597Asp)

Gene: LRP5 (LDL receptor related protein 5; plus strand). Cytogenetic location: 11q13.2.
Variant type: single nucleotide variant.
Coding change: c.4791G>C on transcript NM_002335.4 (MANE Select); coding-DNA position 4791, G replaced by C.
Protein change: p.Glu1597Asp; replaces glutamic acid 1597 with aspartic acid.
Molecular consequence: missense variant.
Genome position (GRCh38, 1-based): chr11:68,449,013, G>C. VCF-style: chr11-68449013-G-C. GRCh37 (hg19) VCF-style: chr11-68216481-G-C.
Other names: c.3048G>C, p.Glu1016Asp (NM_001291902.2); c.4791G>C (NM_002335.2); short protein forms E1016D, E1597D.
Identifiers: ClinVar variation 1137821 (VCV001137821.16), dbSNP rs142508112, ClinGen allele CA6150516.
Genomic context (GRCh38, chr11:68,449,013, plus strand): 5'-CACGCCCCACAGCCAGTACCTGTCGGCGGAGGACAGCTGCCCGCCCTCGCCCGCCACCGA[G>C]AGGAGCTACTTCCATCTCTTCCCGCCCCCTCCGTCCCCCTGCACGGACTCATCCTGACCT-3'
Protein context (NP_002326.2, residues 1587-1607): EDSCPPSPAT[Glu1597Asp]RSYFHLFPPP